The following is an entry in ClinVar:

ClinVar aggregate classification (germline): Uncertain significance (1 of 4 stars; one submission).

Conditions:
Hereditary cancer-predisposing syndrome. Also called: Hereditary Cancer Syndrome; Hereditary neoplastic syndrome; Neoplastic Syndromes, Hereditary; Tumor predisposition. Identifiers: Orphanet 140162, MedGen C0027672, MeSH D009386, MONDO:0015356.

Submission:

Ambry Genetics
Classification: Uncertain significance for Hereditary cancer-predisposing syndrome. Last evaluated: 2021-08-09. Review status: criteria provided, single submitter. Criteria: Ambry Variant Classification Scheme 2023. Collection method: clinical testing. Allele origin: germline.
Comment: The p.L333V variant (also known as c.997C>G), located in coding exon 7 of the CDH1 gene, results from a C to G substitution at nucleotide position 997. The leucine at codon 333 is replaced by valine, an amino acid with highly similar properties. This amino acid position is highly conserved in available vertebrate species. In addition, this alteration is predicted to be deleterious by in silico analysis. Since supporting evidence is limited at this time, the clinical significance of this alteration remains unclear.

NM_004360.5(CDH1):c.997C>G (p.Leu333Val)

Gene: CDH1 (cadherin 1; plus strand). Cytogenetic location: 16q22.1.
Variant type: single nucleotide variant.
Coding change: c.997C>G on transcript NM_004360.5 (MANE Select); coding-DNA position 997, C replaced by G.
Protein change: p.Leu333Val; replaces leucine 333 with valine.
Molecular consequence: missense variant. On other transcripts: 5 prime UTR variant (2).
Genome position (GRCh38, 1-based): chr16:68,811,848, C>G. VCF-style: chr16-68811848-C-G. GRCh37 (hg19) VCF-style: chr16-68845751-C-G.
Other names: c.997C>G, p.Leu333Val (NM_001317184.2); c.-619C>G (NM_001317185.2); c.-823C>G (NM_001317186.2); short protein forms L333V.
Identifiers: ClinVar variation 1768793 (VCV001768793.2), dbSNP rs2152132150, ClinGen allele CA396459884.